The following is an entry in ClinVar:

NM_001267550.2(TTN):c.82385C>T (p.Thr27462Met)

Genes: TTN-AS1 (TTN antisense RNA 1; plus strand), TTN (titin; minus strand). Cytogenetic location: 2q31.2.
Variant type: single nucleotide variant.
Coding change: c.82385C>T on transcript NM_001267550.2 (MANE Select); coding-DNA position 82385, C replaced by T.
Protein change: p.Thr27462Met; replaces threonine 27462 with methionine.
Molecular consequence: missense variant.
Genome position (GRCh38, 1-based): chr2:178,563,747, G>A on the plus strand (C>T on the coding strand, the complement: TTN is on the minus strand). VCF-style: chr2-178563747-G-A. GRCh37 (hg19) VCF-style: chr2-179428474-G-A.
Other names: p.T25821M:ACG>ATG; p.Thr25821Met; c.77462C>T, p.Thr25821Met (NM_001256850.1); c.55190C>T, p.Thr18397Met (NM_003319.4); c.74681C>T, p.Thr24894Met (NM_133378.4); c.55565C>T, p.Thr18522Met (NM_133432.3); c.55766C>T, p.Thr18589Met (NM_133437.4); short protein forms T25821M, T27462M, T24894M, T18397M, T18522M, T18589M.
Identifiers: ClinVar variation 202911 (VCV000202911.19), dbSNP rs55933739, ClinGen allele CA310665.

ClinVar aggregate classification (germline): Conflicting classifications of pathogenicity. Review status: criteria provided, conflicting classifications (1 of 4 stars). 8 submissions from 8 submitters: Uncertain significance (4); Likely benign (4). Last evaluated 2025-05-07.

Conditions:
TTN-related disorder. Also called: TTN-related condition; TTN-related disease; TTN-related disorders.
Cardiovascular phenotype. Identifiers: MedGen CN230736.
Cardiomyopathy (CMYO). Also called: Cardiomyopathies. Identifiers: Orphanet 167848, MedGen C0878544, MONDO:0004994, HP:0001638. Inheritance: Various modes of inheritance.

Allele frequency attached by ClinVar (database versions not stated): 1000 Genomes Project 30x 0.00031.
gnomAD v4.1: 143 of 1,613,642 alleles (0.0089%); highest among the groups gnomAD compares: South Asian, 0.032%; no homozygotes.

Submissions (8):

PreventionGenetics, part of Exact Sciences
Classification: Uncertain significance for TTN-related condition. Last evaluated: 2025-05-07. Review status: criteria provided, single submitter. Criteria: ACMG Guidelines, 2015. Collection method: clinical testing. Allele origin: germline.
Comment: The TTN c.82385C>T variant is predicted to result in the amino acid substitution p.Thr27462Met. This alteration has been reported in an individual with dilated cardiomyopathy (Table S3, Mazzarotto et al. 2020. PubMed ID: 31983221). This variant is reported in 0.026% of alleles in individuals of South Asian descent in gnomAD. Although we suspect that this variant may be benign, at this time, the clinical significance of this variant is uncertain due to the absence of conclusive functional and genetic evidence.

Revvity Omics, Revvity
Classification: Uncertain significance. Last evaluated: 2024-09-24. Review status: criteria provided, single submitter. Criteria: ACMG Guidelines, 2015. Collection method: clinical testing. Allele origin: germline.

Blueprint Genetics
Classification: Likely benign. Last evaluated: 2024-08-26. Review status: criteria provided, single submitter. Criteria: ACMG Guidelines, 2015. Collection method: clinical testing. Allele origin: germline.

Mayo Clinic Laboratories, Mayo Clinic
Classification: Uncertain significance. Last evaluated: 2024-05-13. Review status: criteria provided, single submitter. Criteria: ACMG Guidelines, 2015. Collection method: clinical testing. Allele origin: germline. Observed: 1 variant allele.
Comment: BP4_strong

Ambry Genetics
Classification: Likely benign for Cardiovascular phenotype. Last evaluated: 2021-10-19. Review status: criteria provided, single submitter. Criteria: Ambry Variant Classification Scheme 2023. Collection method: clinical testing. Allele origin: germline.

CHEO Genetics Diagnostic Laboratory, Children's Hospital of Eastern Ontario
Classification: Likely benign for Cardiomyopathy. Last evaluated: 2021-07-20. Review status: criteria provided, single submitter. Criteria: ACMG Guidelines, 2015. Collection method: clinical testing. Allele origin: germline.

GeneDx
Classification: Likely benign. Last evaluated: 2019-09-10. Review status: criteria provided, single submitter. Criteria: GeneDx Variant Classification Process June 2021. Collection method: clinical testing. Allele origin: germline. Affected: yes.
Comment: This variant is associated with the following publications: (PMID: 31983221)

Eurofins Ntd Llc (ga)
Classification: Uncertain significance. Last evaluated: 2015-09-15. Review status: criteria provided, single submitter. Criteria: EGL Classification Definitions 2015. Collection method: clinical testing. Allele origin: germline. Observed: 1 variant allele, 1 heterozygote.

Literature cited by the submitters: PubMed 31983221 (cited by Mayo Clinic Laboratories, Mayo Clinic).